The following is an entry in ClinVar:

ClinVar aggregate classification (germline): Conflicting classifications of pathogenicity. Review status: criteria provided, conflicting classifications (1 of 4 stars). 4 submissions from 4 submitters: Uncertain significance (2); Likely benign (2). Last evaluated 2025-01-06.

Conditions:
Hereditary nonpolyposis colorectal neoplasms. Identifiers: MedGen C0009405, MeSH D003123.
Hereditary cancer-predisposing syndrome. Also called: Hereditary Cancer Syndrome; Hereditary neoplastic syndrome; Neoplastic Syndromes, Hereditary; Tumor predisposition. Identifiers: Orphanet 140162, MedGen C0027672, MeSH D009386, MONDO:0015356.
Lynch syndrome 5 (LYNCH5). Also called: Hereditary non-polyposis colorectal cancer, type 5; Colorectal cancer, hereditary nonpolyposis, type 5. Identifiers: Orphanet 144, MedGen C1833477, MONDO:0013710, OMIM 614350. Disease mechanism: loss of function.

Allele frequency attached by ClinVar (database versions not stated): gnomAD exomes below 0.00001; ExAC 0.00001.

Submissions (4):

Myriad Genetics, Inc.
Classification: Likely benign for Lynch syndrome 5. Last evaluated: 2025-01-06. Review status: criteria provided, single submitter. Criteria: Myriad Autosomal Dominant, Autosomal Recessive and X-Linked Classification Criteria (2023). Collection method: clinical testing. Allele origin: unknown.
Comment: This variant is considered likely benign. This variant is intronic and is not expected to impact mRNA splicing.

Labcorp Genetics (formerly Invitae), Labcorp
Classification: Uncertain significance for Hereditary nonpolyposis colorectal neoplasms. Last evaluated: 2024-12-30. Review status: criteria provided, single submitter. Criteria: Invitae Variant Classification Sherloc (09022015). Collection method: clinical testing. Allele origin: germline.
Comment: This sequence change falls in intron 5 of the MSH6 gene. It does not directly change the encoded amino acid sequence of the MSH6 protein. It affects a nucleotide within the consensus splice site. This variant is present in population databases (rs777420424, gnomAD 0.0009%). This variant has not been reported in the literature in individuals affected with MSH6-related conditions. ClinVar contains an entry for this variant (Variation ID: 455260). Variants that disrupt the consensus splice site are a relatively common cause of aberrant splicing (PMID: 17576681, 9536098). Algorithms developed to predict the effect of sequence changes on RNA splicing suggest that this variant is not likely to affect RNA splicing. In summary, the available evidence is currently insufficient to determine the role of this variant in disease. Therefore, it has been classified as a Variant of Uncertain Significance.

Ambry Genetics
Classification: Likely benign for Hereditary cancer-predisposing syndrome. Last evaluated: 2020-02-07. Review status: criteria provided, single submitter. Criteria: Ambry Variant Classification Scheme 2023. Collection method: clinical testing. Allele origin: germline.

ARUP Laboratories, Molecular Genetics and Genomics, ARUP Laboratories
Classification: Uncertain significance. Last evaluated: 2019-11-18. Review status: criteria provided, single submitter. Criteria: ARUP Molecular Germline Variant Investigation Process. Collection method: clinical testing. Allele origin: germline.
Comment: The MSH6 c.3438+5C>G variant (rs777420424), to our knowledge, is not reported in the medical literature or gene-specific databases. This variant is only observed on one allele in the Genome Aggregation Database, indicating it is not a common polymorphism. This is an intronic variant in a weakly conserved nucleotide, but computational analyses (Alamut v.2.11) predict that this variant may impact splicing by strengthening the nearby canonical donor splice site. Due to limited information, the clinical significance of the c.3438+5C>G variant is uncertain at this time.

Literature cited by the submitters: PubMed 17576681 (cited by Labcorp Genetics (formerly Invitae), Labcorp); PubMed 9536098 (cited by Labcorp Genetics (formerly Invitae), Labcorp).

NM_000179.3(MSH6):c.3438+5C>G

Gene: MSH6 (mutS homolog 6; plus strand). Cytogenetic location: 2p16.3.
Variant type: single nucleotide variant.
Coding change: c.3438+5C>G on transcript NM_000179.3 (MANE Select); 5 bases into the intron after coding-DNA position 3438, C replaced by G.
Molecular consequence: intron variant.
Genome position (GRCh38, 1-based): chr2:47,803,690, C>G. VCF-style: chr2-47803690-C-G. GRCh37 (hg19) VCF-style: chr2-48030829-C-G.
Other names: c.2532+5C>G (NM_001281493.2, NM_001281494.2); c.3048+5C>G (NM_001281492.2).
Identifiers: ClinVar variation 455260 (VCV000455260.21), dbSNP rs777420424, ClinGen allele CA070850.